The following is an entry in ClinVar:

NM_000256.3(MYBPC3):c.2548A>C (p.Asn850His)

Gene: MYBPC3 (myosin binding protein C3; minus strand). Cytogenetic location: 11p11.2.
Variant type: single nucleotide variant.
Coding change: c.2548A>C on transcript NM_000256.3 (MANE Select); coding-DNA position 2548, A replaced by C.
Protein change: p.Asn850His; replaces asparagine 850 with histidine.
Molecular consequence: missense variant.
Genome position (GRCh38, 1-based): chr11:47,337,445, T>G on the plus strand (A>C on the coding strand, the complement: MYBPC3 is on the minus strand). VCF-style: chr11-47337445-T-G. GRCh37 (hg19) VCF-style: chr11-47358996-T-G.
Other names: short protein forms N850H.
Identifiers: ClinVar variation 1435531 (VCV001435531.8), dbSNP rs2142855193, ClinGen allele CA380318154.
Genomic context (GRCh38, chr11:47,337,445, plus strand): 5'-GCTCACCGATAGGCATGAAGGGCTGGGAGGCAGGGCTGGGCCTGGACATGCCGATGGCGT[T>G]GACCGCGTAGACGCGCATCTCGTACACCACGCCCTCGATCATGCGCCGCGCTTCATGACT-3'
Protein context (NP_000247.2, residues 840-860): VVYEMRVYAV[Asn850His]AIGMSRPSPA

ClinVar aggregate classification (germline): Uncertain significance (1 of 4 stars; one submission).

Conditions:
Hypertrophic cardiomyopathy. Also called: HYPERTROPHIC MYOCARDIOPATHY. Identifiers: Orphanet 217569, MedGen C0007194, MeSH D002312, MONDO:0005045, HP:0001639.

Submission:

Labcorp Genetics (formerly Invitae), Labcorp
Classification: Uncertain significance for Hypertrophic cardiomyopathy. Last evaluated: 2022-07-06. Review status: criteria provided, single submitter. Criteria: Invitae Variant Classification Sherloc (09022015). Collection method: clinical testing. Allele origin: germline.
Comment: In summary, the available evidence is currently insufficient to determine the role of this variant in disease. Therefore, it has been classified as a Variant of Uncertain Significance. Algorithms developed to predict the effect of missense changes on protein structure and function (SIFT, PolyPhen-2, Align-GVGD) all suggest that this variant is likely to be disruptive. ClinVar contains an entry for this variant (Variation ID: 1435531). This variant has not been reported in the literature in individuals affected with MYBPC3-related conditions. This variant is not present in population databases (gnomAD no frequency). This sequence change replaces asparagine, which is neutral and polar, with histidine, which is basic and polar, at codon 850 of the MYBPC3 protein (p.Asn850His).